The following is an entry in ClinVar:

NM_153240.5(NPHP3):c.3884C>T (p.Thr1295Ile)

Genes: NPHP3 (nephrocystin 3; minus strand), NPHP3-ACAD11 (NPHP3-ACAD11 readthrough (NMD candidate); minus strand). Cytogenetic location: 3q22.1.
Variant type: single nucleotide variant.
Coding change: c.3884C>T on transcript NM_153240.5 (MANE Select); coding-DNA position 3884, C replaced by T.
Protein change: p.Thr1295Ile; replaces threonine 1295 with isoleucine.
Molecular consequence: missense variant. On other transcripts: non-coding transcript variant (1).
Genome position (GRCh38, 1-based): chr3:132,682,019, G>A on the plus strand (C>T on the coding strand, the complement: NPHP3 is on the minus strand). VCF-style: chr3-132682019-G-A. GRCh37 (hg19) VCF-style: chr3-132400863-G-A.
Other names: short protein forms T1295I.
Identifiers: ClinVar variation 1930116 (VCV001930116.6), dbSNP rs2530372158, ClinGen allele CA354577994.

ClinVar aggregate classification (germline): Uncertain significance. Review status: criteria provided, multiple submitters, no conflicts (2 of 4 stars). 2 submissions from 2 submitters: Uncertain significance (2). Last evaluated 2024-04-24.

Conditions:
Nephronophthisis. Also called: Juvenile Nephronophthisis. Identifiers: Orphanet 655, MedGen C0687120, MONDO:0019005, HP:0000090.

Allele frequency attached by ClinVar (database versions not stated): gnomAD exomes 0.00001.
gnomAD v4.1: 3 of 1,613,998 alleles (0.00019%); highest among the groups gnomAD compares: Non-Finnish European, 0.00025%; no homozygotes.

Submissions (2):

Labcorp Genetics (formerly Invitae), Labcorp
Classification: Uncertain significance for Nephronophthisis. Last evaluated: 2024-04-24. Review status: criteria provided, single submitter. Criteria: Invitae Variant Classification Sherloc (09022015). Collection method: clinical testing. Allele origin: germline.
Comment: This sequence change replaces threonine, which is neutral and polar, with isoleucine, which is neutral and non-polar, at codon 1295 of the NPHP3 protein (p.Thr1295Ile). This variant is not present in population databases (gnomAD no frequency). This variant has not been reported in the literature in individuals affected with NPHP3-related conditions. ClinVar contains an entry for this variant (Variation ID: 1930116). Advanced modeling of protein sequence and biophysical properties (such as structural, functional, and spatial information, amino acid conservation, physicochemical variation, residue mobility, and thermodynamic stability) performed at Invitae indicates that this missense variant is not expected to disrupt NPHP3 protein function with a negative predictive value of 80%. In summary, the available evidence is currently insufficient to determine the role of this variant in disease. Therefore, it has been classified as a Variant of Uncertain Significance.

Blueprint Genetics
Classification: Uncertain significance. Last evaluated: 2021-08-23. Review status: criteria provided, single submitter. Criteria: ACMG Guidelines, 2015. Collection method: clinical testing. Allele origin: germline.